The following is an entry in ClinVar:

NM_001134407.3(GRIN2A):c.795G>A (p.Thr265=)

Gene: GRIN2A (glutamate ionotropic receptor NMDA type subunit 2A; minus strand). Cytogenetic location: 16p13.2.
Variant type: single nucleotide variant.
Coding change: c.795G>A on transcript NM_001134407.3 (MANE Select); coding-DNA position 795, G replaced by A.
Protein change: p.Thr265=; no amino-acid change (threonine 265 retained).
Molecular consequence: synonymous variant.
Genome position (GRCh38, 1-based): chr16:9,938,171, C>T on the plus strand (G>A on the coding strand, the complement: GRIN2A is on the minus strand). VCF-style: chr16-9938171-C-T. GRCh37 (hg19) VCF-style: chr16-10032028-C-T.
Other names: c.795G>A, p.Thr265= (NM_000833.5, NM_001134408.2).
Identifiers: ClinVar variation 2646198 (VCV002646198.26), dbSNP rs1250406793, ClinGen allele CA493683401.

ClinVar aggregate classification (germline): Likely benign. Review status: criteria provided, multiple submitters, no conflicts (2 of 4 stars). 2 submissions from 2 submitters: Likely benign (2). Last evaluated 2025-03-19.

Conditions:
Landau-Kleffner syndrome (FESD). Also called: APHASIA, ACQUIRED, WITH EPILEPSY; EPILEPSY, FOCAL, WITH SPEECH DISORDER AND WITH OR WITHOUT MENTAL RETARDATION. Identifiers: Orphanet 1945, Orphanet 725, Orphanet 98818, MedGen C0282512, MONDO:0009509, OMIM 245570.

Allele frequency attached by ClinVar (database versions not stated): TOPMed below 0.00001; gnomAD 0.00001; gnomAD exomes 0.00001.
gnomAD v4.1: 17 of 1,613,920 alleles (0.0011%); highest among the groups gnomAD compares: East Asian, 0.0022%; no homozygotes.

Submissions (2):

Labcorp Genetics (formerly Invitae), Labcorp
Classification: Likely benign for Landau-Kleffner syndrome. Last evaluated: 2025-03-19. Review status: criteria provided, single submitter. Criteria: Invitae Variant Classification Sherloc (09022015). Collection method: clinical testing. Allele origin: germline.

CeGaT Center for Human Genetics Tuebingen
Classification: Likely benign. Last evaluated: 2023-02-01. Review status: criteria provided, single submitter. Criteria: CeGaT Center For Human Genetics Tuebingen Variant Classification Criteria Version 2. Collection method: clinical testing. Allele origin: germline. Affected: yes. Observed: 1 variant allele.
Comment: GRIN2A: BP4, BP7